The following is an entry in ClinVar:

ClinVar aggregate classification (germline): Uncertain significance (1 of 4 stars; one submission).

Submission:

GeneDx
Classification: Uncertain significance. Last evaluated: 2025-06-14. Review status: criteria provided, single submitter. Criteria: GeneDx Variant Classification Process June 2021. Collection method: clinical testing. Allele origin: germline. Affected: yes.
Comment: Not observed at significant frequency in large population cohorts (gnomAD); In silico analysis supports that this missense variant has a deleterious effect on protein structure/function; Has not been previously published as pathogenic or benign to our knowledge

NM_000208.4(INSR):c.2651A>T (p.Tyr884Phe)

Gene: INSR (insulin receptor; minus strand). Cytogenetic location: 19p13.2.
Variant type: single nucleotide variant.
Coding change: c.2651A>T on transcript NM_000208.4 (MANE Select); coding-DNA position 2651, A replaced by T.
Protein change: p.Tyr884Phe; replaces tyrosine 884 with phenylalanine.
Molecular consequence: missense variant.
Genome position (GRCh38, 1-based): chr19:7,141,708, T>A on the plus strand (A>T on the coding strand, the complement: INSR is on the minus strand). VCF-style: chr19-7141708-T-A. GRCh37 (hg19) VCF-style: chr19-7141719-T-A.
Other names: c.2615A>T, p.Tyr872Phe (NM_001079817.3); short protein forms Y872F, Y884F.
Identifiers: ClinVar variation 4537823 (VCV004537823.1).